The following is an entry in ClinVar:

ClinVar aggregate classification (germline): Uncertain significance (1 of 4 stars; one submission).

Submission:

Ambry Genetics
Classification: Uncertain significance. Last evaluated: 2026-07-14. Review status: criteria provided, single submitter. Criteria: Ambry Variant Classification Scheme 2023. Collection method: clinical testing. Allele origin: germline.
Comment: The p.P173S variant (also known as c.517C>T), located in coding exon 1 of the WNK2 gene, results from a C to T substitution at nucleotide position 517. The proline at codon 173 is replaced by serine, an amino acid with similar properties. This amino acid position is conserved. In addition, this alteration is predicted to be tolerated by in silico analysis. Based on the available evidence, the clinical significance of this variant remains unclear.

NM_006648.4(WNK2):c.517C>T (p.Pro173Ser)

Gene: WNK2 (WNK lysine deficient protein kinase 2; plus strand). Cytogenetic location: 9q22.31.
Variant type: single nucleotide variant.
Coding change: c.517C>T on transcript NM_006648.4 (MANE Select); coding-DNA position 517, C replaced by T.
Protein change: p.Pro173Ser; replaces proline 173 with serine.
Molecular consequence: missense variant.
Genome position (GRCh38, 1-based): chr9:93,185,446, C>T. VCF-style: chr9-93185446-C-T. GRCh37 (hg19) VCF-style: chr9-95947728-C-T.
Other names: c.517C>T, p.Pro173Ser (NM_001282394.3); short protein forms P173S.
Identifiers: ClinVar variation 5031859 (VCV005031859.1).